The following is an entry in ClinVar:

ClinVar aggregate classification (germline): Uncertain significance. Review status: criteria provided, multiple submitters, no conflicts (2 of 4 stars). 2 submissions from 2 submitters: Uncertain significance (2). Last evaluated 2024-02-05.

Conditions:
Inborn genetic diseases. Identifiers: MedGen C0950123, MeSH D030342.
RFT1-congenital disorder of glycosylation (CDG1N). Also called: CDG In; Congenital disorder of glycosylation type In; RFT1-CDG. Identifiers: Orphanet 244310, MedGen C2677590, MONDO:0012783, OMIM 612015.

Submissions (2):

Ambry Genetics
Classification: Uncertain significance for Inborn genetic diseases. Last evaluated: 2024-02-05. Review status: criteria provided, single submitter. Criteria: Ambry Variant Classification Scheme 2023. Collection method: clinical testing. Allele origin: germline.

Labcorp Genetics (formerly Invitae), Labcorp
Classification: Uncertain significance for RFT1-congenital disorder of glycosylation. Last evaluated: 2022-07-29. Review status: criteria provided, single submitter. Criteria: Invitae Variant Classification Sherloc (09022015). Collection method: clinical testing. Allele origin: germline.
Comment: In summary, the available evidence is currently insufficient to determine the role of this variant in disease. Therefore, it has been classified as a Variant of Uncertain Significance. This sequence change replaces tryptophan, which is neutral and slightly polar, with arginine, which is basic and polar, at codon 244 of the RFT1 protein (p.Trp244Arg). This variant is not present in population databases (gnomAD no frequency). This variant has not been reported in the literature in individuals affected with RFT1-related conditions. Algorithms developed to predict the effect of missense changes on protein structure and function are either unavailable or do not agree on the potential impact of this missense change (SIFT: "Tolerated"; PolyPhen-2: "Possibly Damaging"; Align-GVGD: "Class C0").

NM_052859.4(RFT1):c.730T>A (p.Trp244Arg)

Gene: RFT1 (RFT1 glycolipid translocator homolog; minus strand). Cytogenetic location: 3p21.1.
Variant type: single nucleotide variant.
Coding change: c.730T>A on transcript NM_052859.4 (MANE Select); coding-DNA position 730, T replaced by A.
Protein change: p.Trp244Arg; replaces tryptophan 244 with arginine.
Molecular consequence: missense variant.
Genome position (GRCh38, 1-based): chr3:53,111,875, A>T on the plus strand (T>A on the coding strand, the complement: RFT1 is on the minus strand). VCF-style: chr3-53111875-A-T. GRCh37 (hg19) VCF-style: chr3-53145891-A-T.
Other names: c.730T>A (NM_052859.3); short protein forms W244R.
Identifiers: ClinVar variation 2094589 (VCV002094589.5), dbSNP rs2470981232, ClinGen allele CA353231068.
Genomic context (GRCh38, chr3:53,111,875, plus strand): 5'-TGACCGTCTACTTACCTTCTGTCAAAATCTGTTTCAAGAAAGACTGTTTGAAAAAACTCC[A>T]AGTCAGTTTAGCCTCTTTCCAGTTTATAAACGCCTAGAAGAGAAAACAAAACAAAACAAA-3'
Protein context (NP_443091.1, residues 234-254): FINWKEAKLT[Trp244Arg]SFFKQSFLKQ